The following is an entry in ClinVar:

ClinVar aggregate classification (germline): Uncertain significance. Review status: criteria provided, multiple submitters, no conflicts (2 of 4 stars). 2 submissions from 2 submitters: Uncertain significance (2). Last evaluated 2025-11-15.

Allele frequency attached by ClinVar (database versions not stated): gnomAD exomes below 0.00001; ExAC 0.00001.
gnomAD v4.1: 5 of 1,614,244 alleles (0.00031%); highest among the groups gnomAD compares: East Asian, 0.0045%; no homozygotes.

Submissions (2):

Labcorp Genetics (formerly Invitae), Labcorp
Classification: Uncertain significance. Last evaluated: 2025-11-15. Review status: criteria provided, single submitter. Criteria: Invitae Variant Classification Sherloc (09022015). Collection method: clinical testing. Allele origin: germline.
Comment: This sequence change replaces isoleucine, which is neutral and non-polar, with phenylalanine, which is neutral and non-polar, at codon 171 of the ABCA4 protein (p.Ile171Phe). This variant is present in population databases (rs765059735, gnomAD 0.006%). This variant has not been reported in the literature in individuals affected with ABCA4-related conditions. ClinVar contains an entry for this variant (Variation ID: 947180). An algorithm developed to predict the effect of missense changes on protein structure and function outputs the following: PolyPhen-2: "Benign". The phenylalanine amino acid residue is found in multiple mammalian species, which suggests that this missense change does not adversely affect protein function. In summary, the available evidence is currently insufficient to determine the role of this variant in disease. Therefore, it has been classified as a Variant of Uncertain Significance.

ARUP Laboratories, Molecular Genetics and Genomics, ARUP Laboratories
Classification: Uncertain significance. Last evaluated: 2019-10-21. Review status: criteria provided, single submitter. Criteria: ARUP Molecular Germline Variant Investigation Process. Collection method: clinical testing. Allele origin: germline.
Comment: The ABCA4 c.511A>T; p.Ile171Phe variant (rs765059735), to our knowledge, is not reported in the medical literature or gene specific databases. This variant is only observed on one allele in the Genome Aggregation Database, indicating it is not a common polymorphism. The isoleucine at codon 171 is highly conserved, but computational analyses (SIFT: damaging, PolyPhen-2: benign) predict conflicting effects of this variant on protein structure/function. Due to limited information, the clinical significance of the p.Ile171Phe variant is uncertain at this time.

NM_000350.3(ABCA4):c.511A>T (p.Ile171Phe)

Gene: ABCA4 (ATP binding cassette subfamily A member 4; minus strand). Cytogenetic location: 1p22.1.
Variant type: single nucleotide variant.
Coding change: c.511A>T on transcript NM_000350.3 (MANE Select); coding-DNA position 511, A replaced by T.
Protein change: p.Ile171Phe; replaces isoleucine 171 with phenylalanine.
Molecular consequence: missense variant.
Genome position (GRCh38, 1-based): chr1:94,103,074, T>A on the plus strand (A>T on the coding strand, the complement: ABCA4 is on the minus strand). VCF-style: chr1-94103074-T-A. GRCh37 (hg19) VCF-style: chr1-94568630-T-A.
Other names: c.511A>T, p.Ile171Phe (NM_001425324.1); short protein forms I171F.
Identifiers: ClinVar variation 947180 (VCV000947180.14), dbSNP rs765059735, ClinGen allele CA958820.